The following is an entry in ClinVar:

NM_001256545.2(MEGF10):c.3272A>G (p.Asn1091Ser)

Gene: MEGF10 (multiple EGF like domains 10; plus strand). Cytogenetic location: 5q23.2.
Variant type: single nucleotide variant.
Coding change: c.3272A>G on transcript NM_001256545.2 (MANE Select); coding-DNA position 3272, A replaced by G.
Protein change: p.Asn1091Ser; replaces asparagine 1091 with serine.
Molecular consequence: missense variant.
Genome position (GRCh38, 1-based): chr5:127,457,167, A>G. VCF-style: chr5-127457167-A-G. GRCh37 (hg19) VCF-style: chr5-126792859-A-G.
Other names: c.3272A>G, p.Asn1091Ser (NM_032446.3); short protein forms N1091S.
Identifiers: ClinVar variation 1804389 (VCV001804389.1), dbSNP rs2479818518, ClinGen allele CA360719385.

ClinVar aggregate classification (germline): Uncertain significance (1 of 4 stars; one submission).

Allele frequency attached by ClinVar (database versions not stated): gnomAD exomes 0.00001.
gnomAD v4.1: 4 of 1,614,040 alleles (0.00025%); highest among the groups gnomAD compares: Non-Finnish European, 0.00034%; no homozygotes.

Submission:

GeneDx
Classification: Uncertain significance. Last evaluated: 2022-06-13. Review status: criteria provided, single submitter. Criteria: GeneDx Variant Classification Process June 2021. Collection method: clinical testing. Allele origin: germline. Affected: yes.
Comment: Not observed at significant frequency in large population cohorts (gnomAD); In silico analysis supports that this missense variant does not alter protein structure/function; Has not been previously published as pathogenic or benign to our knowledge